The following is an entry in ClinVar:

NM_006361.6(HOXB13):c.481G>T (p.Asp161Tyr)

Gene: HOXB13 (homeobox B13; minus strand). Cytogenetic location: 17q21.32.
Variant type: single nucleotide variant.
Coding change: c.481G>T on transcript NM_006361.6 (MANE Select); coding-DNA position 481, G replaced by T.
Protein change: p.Asp161Tyr; replaces aspartic acid 161 with tyrosine.
Molecular consequence: missense variant.
Genome position (GRCh38, 1-based): chr17:48,728,113, C>A on the plus strand (G>T on the coding strand, the complement: HOXB13 is on the minus strand). VCF-style: chr17-48728113-C-A. GRCh37 (hg19) VCF-style: chr17-46805475-C-A.
Other names: short protein forms D161Y.
Identifiers: ClinVar variation 485696 (VCV000485696.16), dbSNP rs1555558589, ClinGen allele CA400107366.
Genomic context (GRCh38, chr17:48,728,113, plus strand): 5'-GGCTGTTCCAGCCACCAGCGAGAGCCCAAGACTGGTAACTGTCCACAGGCAACAGGGAGT[C>A]ATGTCGCGGTTCTCCAGGAGCACCCAGAGTCTGCACCACAGACACGTCCAGGTAACTGGC-3'
Protein context (NP_006352.2, residues 151-171): TLGAPGEPRH[Asp161Tyr]SLLPVDSYQS

ClinVar aggregate classification (germline): Uncertain significance. Review status: criteria provided, multiple submitters, no conflicts (2 of 4 stars). 2 submissions from 2 submitters: Uncertain significance (2). Last evaluated 2025-02-25.

Conditions:
Hereditary cancer-predisposing syndrome. Also called: Tumor predisposition; Hereditary Cancer Syndrome; Hereditary neoplastic syndrome; Neoplastic Syndromes, Hereditary. Identifiers: Orphanet 140162, MedGen C0027672, MeSH D009386, MONDO:0015356.

Allele frequency attached by ClinVar (database versions not stated): gnomAD exomes below 0.00001.
gnomAD v4.1: 1 of 1,614,202 alleles (0.000062%); highest among the groups gnomAD compares: Admixed American, 0.0017%; no homozygotes.

Submissions (2):

Labcorp Genetics (formerly Invitae), Labcorp
Classification: Uncertain significance. Last evaluated: 2025-02-25. Review status: criteria provided, single submitter. Criteria: Invitae Variant Classification Sherloc (09022015). Collection method: clinical testing. Allele origin: germline.
Comment: This sequence change replaces aspartic acid, which is acidic and polar, with tyrosine, which is neutral and polar, at codon 161 of the HOXB13 protein (p.Asp161Tyr). This variant is not present in population databases (gnomAD no frequency). This variant has not been reported in the literature in individuals affected with HOXB13-related conditions. ClinVar contains an entry for this variant (Variation ID: 485696). Invitae Evidence Modeling of protein sequence and biophysical properties (such as structural, functional, and spatial information, amino acid conservation, physicochemical variation, residue mobility, and thermodynamic stability) indicates that this missense variant is not expected to disrupt HOXB13 protein function with a negative predictive value of 80%. In summary, the available evidence is currently insufficient to determine the role of this variant in disease. Therefore, it has been classified as a Variant of Uncertain Significance.

Ambry Genetics
Classification: Uncertain significance for Hereditary cancer-predisposing syndrome. Last evaluated: 2024-10-31. Review status: criteria provided, single submitter. Criteria: Ambry Variant Classification Scheme 2023. Collection method: clinical testing. Allele origin: germline.
Comment: The p.D161Y variant (also known as c.481G>T), located in coding exon 1 of the HOXB13 gene, results from a G to T substitution at nucleotide position 481. The aspartic acid at codon 161 is replaced by tyrosine, an amino acid with highly dissimilar properties. This amino acid position is highly conserved in available vertebrate species. In addition, the in silico prediction for this alteration is inconclusive. Since supporting evidence is limited at this time, the clinical significance of this alteration remains unclear.